The following is an entry in ClinVar:

ClinVar aggregate classification (germline): Benign. Review status: criteria provided, multiple submitters, no conflicts (2 of 4 stars). 2 submissions from 2 submitters: Benign (2). Last evaluated 2025-11-19.

Conditions:
Charcot-Marie-Tooth disease recessive intermediate C. Also called: CHARCOT-MARIE-TOOTH NEUROPATHY, RECESSIVE INTERMEDIATE C. Identifiers: Orphanet 369867, MedGen C3809309, MONDO:0014154, OMIM 615376.
Neuronopathy, distal hereditary motor, autosomal recessive 4. Also called: Autosomal recessive lower motor neuron disease with childhood onset; NEUROPATHY, DISTAL HEREDITARY MOTOR, AUTOSOMAL RECESSIVE 4. Identifiers: Orphanet 206580, MedGen C1970211, MONDO:0012608, OMIM 611067.

Submissions (2):

Women's Health and Genetics/Laboratory Corporation of America, LabCorp
Classification: Benign. Last evaluated: 2025-11-19. Review status: criteria provided, single submitter. Criteria: LabCorp Variant Classification Summary - May 2015. Collection method: clinical testing. Allele origin: germline.
Comment: Variant summary: PLEKHG5 c.302+10_302+11delinsTT alters a nucleotide located at a position not widely known to affect splicing. Consensus agreement among computation tools predict no significant impact on normal splicing. However, these predictions have yet to be confirmed by functional studies. The variant allele was found at a frequency of 0.00033 in 282850 control chromosomes, predominantly at a frequency of 0.0027 within the Latino subpopulation in the gnomAD database. The observed variant frequency within Latino control individuals in the gnomAD database exceeds the estimated maximal expected allele frequency for disease-causing variants in PLEKHG5. To our knowledge, no occurrence of c.302+10_302+11delinsTT in individuals affected with PLEKHG5-related conditions and no experimental evidence demonstrating its impact on protein function have been reported. ClinVar contains an entry for this variant (Variation ID: 536790). Based on the evidence outlined above, the variant was classified as benign.

Labcorp Genetics (formerly Invitae), Labcorp
Classification: Benign for Neuronopathy, distal hereditary motor, autosomal recessive 4; Charcot-Marie-Tooth disease recessive intermediate C. Last evaluated: 2025-06-04. Review status: criteria provided, single submitter. Criteria: Invitae Variant Classification Sherloc (09022015). Collection method: clinical testing. Allele origin: germline.

NM_020631.6(PLEKHG5):c.302+10_302+11delinsTT

Gene: PLEKHG5 (pleckstrin homology and RhoGEF domain containing G5; minus strand). Cytogenetic location: 1p36.31.
Variant type: Indel.
Coding change: c.302+10_302+11delinsTT on transcript NM_020631.6 (MANE Select); bases 10 to 11 of the intron after coding-DNA position 302, GA replaced by TT.
Molecular consequence: intron variant.
Genome position (GRCh38, 1-based): chr1:6,475,036-6,475,037, TC replaced by AA on the plus strand (GA replaced by TT on the coding strand, the reverse complement: PLEKHG5 is on the minus strand). VCF-style: chr1-6475036-TC-AA. GRCh37 (hg19) VCF-style: chr1-6535096-TC-AA.
Other names: c.302+10_302+11delinsTT (NM_020631.4, NM_198681.4, NM_001265594.3 and 2 more transcripts); c.413+10_413+11delinsTT (NM_001042663.3, NM_001265592.2); c.509+10_509+11delinsTT (NM_001265593.2).
Identifiers: ClinVar variation 536790 (VCV000536790.12), dbSNP rs1553175406, ClinGen allele CA658795385.